The following is an entry in ClinVar:

NC_000006.11:g.(?_129826335)_(129826510_?)del

Gene: LAMA2 (laminin subunit alpha 2; plus strand). Cytogenetic location: 6q22.33.
Variant type: Deletion.
Identifiers: ClinVar variation 2423055 (VCV002423055.3).

ClinVar aggregate classification (germline): Pathogenic (1 of 4 stars; one submission).

Conditions:
LAMA2-related muscular dystrophy (LAMA2-RD). Also called: Laminin alpha 2-related dystrophy. Identifiers: MedGen C5679788, MONDO:0100228.

Submission:

Labcorp Genetics (formerly Invitae), Labcorp
Classification: Pathogenic for LAMA2-related muscular dystrophy. Last evaluated: 2021-11-05. Review status: criteria provided, single submitter. Criteria: Invitae Variant Classification Sherloc (09022015). Collection method: clinical testing. Allele origin: germline.
Comment: For these reasons, this variant has been classified as Pathogenic. This variant disrupts a region of the LAMA2 protein in which other variant(s) (p.Gly2889Arg) have been determined to be pathogenic (PMID: 16770791, 27234031, 29707938). This suggests that this is a clinically significant region of the protein, and that variants that disrupt it are likely to be disease-causing. This variant has not been reported in the literature in individuals affected with LAMA2-related conditions. This variant is a gross deletion of the genomic region encompassing exon(s) 61 of the LAMA2 gene. This variant would be expected to be in-frame, preserving the integrity of the reading frame.

Literature cited by the submitters: PubMed 16770791; PubMed 27234031; PubMed 29707938.